The following is an entry in ClinVar:

NM_000350.3(ABCA4):c.303-19T>G

Gene: ABCA4 (ATP binding cassette subfamily A member 4; minus strand). Cytogenetic location: 1p22.1.
Variant type: single nucleotide variant.
Coding change: c.303-19T>G on transcript NM_000350.3 (MANE Select); 19 bases into the intron before coding-DNA position 303, T replaced by G.
Molecular consequence: intron variant.
Genome position (GRCh38, 1-based): chr1:94,108,735, A>C on the plus strand (T>G on the coding strand, the complement: ABCA4 is on the minus strand). VCF-style: chr1-94108735-A-C. GRCh37 (hg19) VCF-style: chr1-94574291-A-C.
Identifiers: ClinVar variation 1995769 (VCV001995769.4), dbSNP rs1662509858, ClinGen allele CA2580063334.

ClinVar aggregate classification (germline): Uncertain significance (1 of 4 stars; one submission).

Submission:

Labcorp Genetics (formerly Invitae), Labcorp
Classification: Uncertain significance. Last evaluated: 2022-05-17. Review status: criteria provided, single submitter. Criteria: Invitae Variant Classification Sherloc (09022015). Collection method: clinical testing. Allele origin: germline.
Comment: This sequence change falls in intron 3 of the ABCA4 gene. It does not directly change the encoded amino acid sequence of the ABCA4 protein. In summary, the available evidence is currently insufficient to determine the role of this variant in disease. Therefore, it has been classified as a Variant of Uncertain Significance. Algorithms developed to predict the effect of sequence changes on RNA splicing suggest that this variant may create or strengthen a splice site. This variant has not been reported in the literature in individuals affected with ABCA4-related conditions. This variant is not present in population databases (gnomAD no frequency).